The following is an entry in ClinVar:

NM_000138.5(FBN1):c.7421A>G (p.Tyr2474Cys)

Gene: FBN1 (fibrillin 1; minus strand). Cytogenetic location: 15q21.1.
Variant type: single nucleotide variant.
Coding change: c.7421A>G on transcript NM_000138.5 (MANE Select); coding-DNA position 7421, A replaced by G.
Protein change: p.Tyr2474Cys; replaces tyrosine 2474 with cysteine.
Molecular consequence: missense variant.
Genome position (GRCh38, 1-based): chr15:48,425,401, T>C on the plus strand (A>G on the coding strand, the complement: FBN1 is on the minus strand). VCF-style: chr15-48425401-T-C. GRCh37 (hg19) VCF-style: chr15-48717598-T-C.
Other names: short protein forms Y2474C.
Identifiers: ClinVar variation 222613 (VCV000222613.3), dbSNP rs869025415, ClinGen allele CA353668.

ClinVar aggregate classification (germline): Likely pathogenic. Review status: criteria provided, multiple submitters, no conflicts (2 of 4 stars). 2 submissions from 2 submitters: Likely pathogenic (2). Last evaluated 2024-07-09.

Conditions:
FBN1-related disorder. Also called: FBN1-related disorders.

Submissions (2):

GeneDx
Classification: Likely pathogenic. Last evaluated: 2024-07-09. Review status: criteria provided, single submitter. Criteria: GeneDx Variant Classification Process June 2021. Collection method: clinical testing. Allele origin: germline. Affected: yes.
Comment: Identified in patients with Marfan syndrome referred for genetic testing at GeneDx and in published literature (PMID: 11826022, 17663468, 17253931); Not observed at significant frequency in large population cohorts (gnomAD); Introduces a new cysteine residue within an EGF-like domain of the FBN1 gene, which may affect disulfide bonding and is predicted to alter the structure and function of the protein; cysteine substitutions in the EGF-like domains represent the majority of pathogenic missense changes associated with FBN1-related disorders (PMID: 12938084); In silico analysis supports that this missense variant has a deleterious effect on protein structure/function; This variant is associated with the following publications: (PMID: 11826022, 17663468, 17253931, 31825148, 12938084)

Blueprint Genetics
Classification: Likely pathogenic for FBN1-related disorders. Last evaluated: 2024-03-25. Review status: criteria provided, single submitter. Criteria: ACMG Guidelines, 2015. Collection method: clinical testing. Allele origin: germline. Affected: yes. Observed: 2 variant alleles.